The following is an entry in ClinVar:

NM_001267550.2(TTN):c.46957A>T (p.Lys15653Ter)

Genes: TTN-AS1 (TTN antisense RNA 1; plus strand), TTN (titin; minus strand). Cytogenetic location: 2q31.2.
Variant type: single nucleotide variant.
Coding change: c.46957A>T on transcript NM_001267550.2 (MANE Select); coding-DNA position 46957, A replaced by T.
Protein change: p.Lys15653Ter; replaces lysine 15653 with a stop codon.
Molecular consequence: nonsense.
Genome position (GRCh38, 1-based): chr2:178,618,593, T>A on the plus strand (A>T on the coding strand, the complement: TTN is on the minus strand). VCF-style: chr2-178618593-T-A. GRCh37 (hg19) VCF-style: chr2-179483320-T-A.
Other names: c.42034A>T, p.Lys14012Ter (NM_001256850.1); c.19762A>T, p.Lys6588Ter (NM_003319.4); c.39253A>T, p.Lys13085Ter (NM_133378.4); c.20137A>T, p.Lys6713Ter (NM_133432.3); c.20338A>T, p.Lys6780Ter (NM_133437.4); short protein forms K13085*, K14012*, K15653*, K6588*, K6713*, K6780*.
Identifiers: ClinVar variation 4087718 (VCV004087718.2).
Genomic context (GRCh38, chr2:178,618,593, plus strand): 5'-TGCTTTTAAATTGTGCTTTGCCAATTAAGTCTGAGAGACCCAAGGGCTTACCAATAACTT[T>A]TAAATTGATGAATCCTTCTGCTTTTCCATGTTTGTTCTGAAGCACAATTTTATACCTCCC-3'

ClinVar aggregate classification (germline): Pathogenic/Likely pathogenic. Review status: criteria provided, multiple submitters, no conflicts (2 of 4 stars). 2 submissions from 2 submitters: Pathogenic (1); Likely pathogenic (1). Last evaluated 2025-11-05.

Conditions:
Autosomal recessive limb-girdle muscular dystrophy type 2J (LGMDR10). Also called: MUSCULAR DYSTROPHY, LIMB-GIRDLE, AUTOSOMAL RECESSIVE 10; Limb-girdle muscular dystrophy, type 2J. Identifiers: Orphanet 140922, MedGen C1837342, MONDO:0012127, OMIM 608807.
Dilated cardiomyopathy 1G (CMD1G). Identifiers: Orphanet 154, MedGen C1858763, MONDO:0011400, OMIM 604145.

Submissions (2):

Labcorp Genetics (formerly Invitae), Labcorp
Classification: Likely pathogenic for Dilated cardiomyopathy 1G; Autosomal recessive limb-girdle muscular dystrophy type 2J. Last evaluated: 2025-11-05. Review status: criteria provided, single submitter. Criteria: Invitae Variant Classification Sherloc (09022015). Collection method: clinical testing. Allele origin: germline.
Comment: This sequence change creates a premature translational stop signal (p.Lys15653*) in the TTN gene. While this is not anticipated to result in nonsense mediated decay, it is expected to create a truncated TTN protein. This variant is not present in population databases (gnomAD no frequency). This variant has not been reported in the literature in individuals affected with TTN-related conditions. ClinVar contains an entry for this variant (Variation ID: 4087718). This variant is located in the I band of TTN (PMID: 25589632). Truncating variants in this region have been reported in individuals affected with autosomal recessive centronuclear myopathy (PMID: 23975875, internal data). Truncating variants in this region have also been identified in individuals affected with autosomal dominant dilated cardiomyopathy and/or cardio-related conditions (PMID: 27869827, 32964742, internal data). In summary, the currently available evidence indicates that the variant is pathogenic, but additional data are needed to prove that conclusively. Therefore, this variant has been classified as Likely Pathogenic.

Molecular Genetics Laboratory, Motol Hospital
Classification: Pathogenic for Dilated cardiomyopathy 1G. Last evaluated: 2025-09-26. Review status: criteria provided, single submitter. Criteria: ACMG Guidelines, 2015. Collection method: clinical testing. Allele origin: germline. Affected: yes. Observed: 1 variant allele.
Comment: The variant was found in two unrelated families with DCM - based on internal laboratory records (PP1). The variant is not present in gnomAD (v4.1.0), dbSNP or ClinVar (PM2). The variant is located in the TTN gene region encoding I-band. Rare truncating variants affecting the TTN gene are associated with autosomal dominant dilated cardiomyopathy (CMD1G; MIM:604145; PMID:39968638;PMID:38438525) (PVS1). To conclude, the variant is classified as pathogenic (ACMG PP1, PVS1, PM2).

Literature cited by the submitters: PubMed 25589632 (cited by Labcorp Genetics (formerly Invitae), Labcorp); PubMed 23975875 (cited by Labcorp Genetics (formerly Invitae), Labcorp); PubMed 27869827 (cited by Labcorp Genetics (formerly Invitae), Labcorp); PubMed 32964742 (cited by Labcorp Genetics (formerly Invitae), Labcorp); PubMed 39968638 (cited by Molecular Genetics Laboratory, Motol Hospital); PubMed 38438525 (cited by Molecular Genetics Laboratory, Motol Hospital).